The following is an entry in ClinVar:

NM_199420.4(POLQ):c.2197C>T (p.Pro733Ser)

Gene: POLQ (DNA polymerase theta; minus strand). Cytogenetic location: 3q13.33.
Variant type: single nucleotide variant.
Coding change: c.2197C>T on transcript NM_199420.4 (MANE Select); coding-DNA position 2197, C replaced by T.
Protein change: p.Pro733Ser; replaces proline 733 with serine.
Molecular consequence: missense variant.
Genome position (GRCh38, 1-based): chr3:121,496,889, G>A on the plus strand (C>T on the coding strand, the complement: POLQ is on the minus strand). VCF-style: chr3-121496889-G-A. GRCh37 (hg19) VCF-style: chr3-121215736-G-A.
Other names: short protein forms P733S.
Identifiers: ClinVar variation 1787502 (VCV001787502.2), dbSNP rs769353243, ClinGen allele CA2563329.
Genomic context (GRCh38, chr3:121,496,889, plus strand): 5'-GTTGCAAAGATTGAATCTGCCCACGATTGCATCCATATTTCTGATTTATTTCCCTTAAGG[G>A]AACTTCACTGATTAAATCTAATAGCACAAGACTGGTGAAAAACCTGGGAATAAATCATCA-3'
Protein context (NP_955452.3, residues 723-743): LVLLDLISEV[Pro733Ser]LREINQKYGC

ClinVar aggregate classification (germline): Uncertain significance (1 of 4 stars; one submission).

Allele frequency attached by ClinVar (database versions not stated): gnomAD exomes below 0.00001; ExAC 0.00002.
gnomAD v4.1: 3 of 1,612,908 alleles (0.00019%); highest among the groups gnomAD compares: South Asian, 0.0033%; no homozygotes.

Submission:

Ambry Genetics
Classification: Uncertain significance. Last evaluated: 2022-10-09. Review status: criteria provided, single submitter. Criteria: Ambry Variant Classification Scheme 2023. Collection method: clinical testing. Allele origin: germline.
Comment: The p.P733S variant (also known as c.2197C>T), located in coding exon 14 of the POLQ gene, results from a C to T substitution at nucleotide position 2197. The proline at codon 733 is replaced by serine, an amino acid with similar properties. This amino acid position is conserved. In addition, this alteration is predicted to be tolerated by in silico analysis. Since supporting evidence is limited at this time, the clinical significance of this alteration remains unclear.